The following is an entry in ClinVar:

NM_006080.3(SEMA3A):c.925+1_925+9del

Gene: SEMA3A (semaphorin 3A; minus strand). Cytogenetic location: 7q21.11.
Variant type: Deletion.
Coding change: c.925+1_925+9del on transcript NM_006080.3 (MANE Select); the canonical splice donor site of the intron after coding-DNA position 925 through 9 bases into the intron after coding-DNA position 925, 9 bases deleted (GTAAGAAGC; older notation c.925+1_925+9delGTAAGAAGC).
Molecular consequence: splice donor variant.
Genome position (GRCh38, 1-based): chr7:84,011,174-84,011,182, GCTTCTTAC deleted on the plus strand (GTAAGAAGC on the coding strand, the reverse complement: SEMA3A is on the minus strand); deleting any 9 consecutive bases within chr7:84,011,174-84,011,184 gives the same sequence; the c. name uses the placement nearest the transcript's 3' end. VCF-style (leftmost placement, unchanged base first): chr7-84011173-AGCTTCTTAC-A. GRCh37 (hg19) VCF-style: chr7-83640489-AGCTTCTTAC-A.
Identifiers: ClinVar variation 4992552 (VCV004992552.1).
Genomic context (GRCh38, chr7:84,011,173, plus strand): 5'-GAAAGTTGCTTTTTTATGGAATGGCAAAGTCTGAACAAATATTCTCTATACATAAACACT[AGCTTCTTAC>A]GCAGTTCATCAAAATGAGTGTCAATGCCATTTGGACCTGGCACTGAGCAAATCAGACGAG-3'

ClinVar aggregate classification (germline): Uncertain significance (1 of 4 stars; one submission).

Conditions:
SEMA3A-related disorder. Also called: SEMA3A-related condition.

Submission:

PreventionGenetics, part of Exact Sciences
Classification: Uncertain significance for SEMA3A-related condition. Last evaluated: 2025-10-16. Review status: criteria provided, single submitter. Criteria: ACMG Guidelines, 2015. Collection method: clinical testing. Allele origin: germline.
Comment: The SEMA3A c.925+1_925+9del9 variant is predicted to result in a deletion affecting a canonical splice site. To our knowledge, this variant has not been reported in the literature or in a large population database (gnomAD), indicating this variant is rare. Protein truncating variants have been reported in the SEMA3A gene with proposed autosomal dominant and recessive inheritance; however, the evidence is still too limited to conclusively establish a a gene-disease association or mode of inheritance. Although we suspect that this variant may be pathogenic, at this time, the clinical significance of this variant is uncertain due to the absence of conclusive functional and genetic evidence.